The following is an entry in ClinVar:

ClinVar aggregate classification (germline): Pathogenic/Likely pathogenic. Review status: criteria provided, multiple submitters, no conflicts (2 of 4 stars). 9 submissions from 9 submitters: Pathogenic (6); Likely pathogenic (1). 2 of the submissions do not count toward it. Last evaluated 2026-07-27.

Conditions:
Ehlers-Danlos syndrome, type 4 (EDSVASC). Also called: Ehlers-Danlos syndrome vascular type; Ehlers Danlos syndrome, ecchymotic type; Ehlers Danlos syndrome, arterial type; Ehlers Danlos syndrome, Sack-Barabas type; Ehlers-Danlos Syndrome Type IV. Identifiers: Orphanet 286, MedGen C0268338, MONDO:0017314, OMIM 130050.
Familial thoracic aortic aneurysm and aortic dissection (TAAD). Also called: Thoracic aortic aneurysms and dissections. Identifiers: Orphanet 91387, MedGen C4707243, MONDO:0019625.

Submissions (9):

GeneDx
Classification: Pathogenic. Last evaluated: 2026-07-27. Review status: criteria provided, single submitter. Criteria: GeneDx Variant Classification Process June 2021. Collection method: clinical testing. Allele origin: germline.
Comment: Identified in patients with vascular Ehlers-Danlos syndrome in the published literature (PMID: 24922459, 35092149); Not observed at significant frequency in large population cohorts (gnomAD); Nonsense variant predicted to result in protein truncation or nonsense mediated decay in a gene for which loss of function is a known mechanism of disease; This variant is associated with the following publications: (PMID: 33726816, 24922459, 35092149, 37937776, 35699227)

Labcorp Genetics (formerly Invitae), Labcorp
Classification: Pathogenic for Ehlers-Danlos syndrome, type 4. Last evaluated: 2025-12-28. Review status: criteria provided, single submitter. Criteria: Invitae Variant Classification Sherloc (09022015). Collection method: clinical testing. Allele origin: germline.
Comment: This sequence change creates a premature translational stop signal (p.Arg1109*) in the COL3A1 gene. It is expected to result in an absent or disrupted protein product. Loss-of-function variants in COL3A1 are known to be pathogenic (PMID: 24922459). This variant is not present in population databases (gnomAD no frequency). This premature translational stop signal has been observed in individual(s) with clinical features of vascular Ehlers-Danlos syndrome (PMID: 24922459). ClinVar contains an entry for this variant (Variation ID: 101427). For these reasons, this variant has been classified as Pathogenic.

All of Us Research Program, National Institutes of Health
Classification: Pathogenic for Ehlers-Danlos syndrome, type 4. Last evaluated: 2023-11-20. Review status: criteria provided, single submitter. Criteria: ACMG Guidelines, 2015. Collection method: clinical testing. Allele origin: germline. Inheritance: Autosomal dominant inheritance. Observed: 1 variant allele, 1 heterozygote.
Comment: This variant changes 1 nucleotide in exon 45 of the COL3A1 gene, creating a premature translation stop signal. This variant is expected to result in an absent or non-functional protein product. To our knowledge, functional assays have not been performed for this variant. This variant has been reported in a few unrelated individuals affected with vascular Ehlers-Danlos syndrome (PMID: 24922459, 35092149, 35699227). This variant has not been identified in the general population by the Genome Aggregation Database (gnomAD). Loss of COL3A1 function is a known mechanism of disease. Based on available evidence, this variant is classified as Pathogenic.

This study involves interpretation of variants in research participants for the purpose of population health screening. Participant phenotype was not available at the time of variant classification. Additional details can be found in publication PMID: 35346344, PMCID: PMC8962531

Color Diagnostics, LLC DBA Color Health
Classification: Pathogenic for Familial thoracic aortic aneurysm and aortic dissection. Last evaluated: 2023-09-27. Review status: criteria provided, single submitter. Criteria: ACMG Guidelines, 2015. Collection method: clinical testing. Allele origin: germline.
Comment: This variant changes 1 nucleotide in exon 45 of the COL3A1 gene, creating a premature translation stop signal. This variant is expected to result in an absent or non-functional protein product. To our knowledge, functional assays have not been performed for this variant. This variant has been reported in a few unrelated individuals affected with vascular Ehlers-Danlos syndrome (PMID: 24922459, 35092149, 35699227). This variant has not been identified in the general population by the Genome Aggregation Database (gnomAD). Loss of COL3A1 function is a known mechanism of disease. Based on available evidence, this variant is classified as Pathogenic.

Mayo Clinic Laboratories, Mayo Clinic
Classification: Pathogenic. Last evaluated: 2022-08-03. Review status: criteria provided, single submitter. Criteria: ACMG Guidelines, 2015. Collection method: clinical testing. Allele origin: germline. Observed: 1 variant allele.
Comment: PM2_supporting, PS4_moderate, PVS1

Ambry Genetics
Classification: Pathogenic for Familial thoracic aortic aneurysm and aortic dissection. Last evaluated: 2017-04-17. Review status: criteria provided, single submitter. Criteria: Ambry Variant Classification Scheme 2023. Collection method: clinical testing. Allele origin: germline.
Comment: The p.R1109* pathogenic mutation (also known as c.3325C>T), located in coding exon 45 of the COL3A1 gene, results from a C to T substitution at nucleotide position 3325. This changes the amino acid from an arginine to a stop codon within coding exon 45. This mutation was reported in an Ehlers-Danlos syndrome type IV cohort (Pepin MG et al. Genet Med. 2014;16(12):881-8). In addition to the clinical data presented in the literature, this alteration is expected to result in loss of function by premature protein truncation or nonsense-mediated mRNA decay. As such, this alteration is interpreted as a disease-causing mutation.

Clinical Genetics and Genomics, Karolinska University Hospital
Classification: Likely pathogenic. Last evaluated: 2016-10-21. Review status: criteria provided, single submitter. Criteria: ACMG Guidelines, 2015. Collection method: clinical testing. Allele origin: germline. Affected: yes. Observed: 5 variant alleles.

deCODE genetics, Amgen
Classification: Pathogenic for Ehlers-Danlos syndrome, type 4. Last evaluated: 2023-07-21. Review status: no assertion criteria provided. Collection method: research. Allele origin: germline. Affected: yes. Observed: 1 variant allele. Not counted in ClinVar's aggregate classification.
Comment: The variant NM_000090.4:c.3325C>T (chr2:189007569) in COL3A1 was detected in 1 heterozygote out of 58K WGS Icelanders (MAF= 0,001%). This variant has been reported in ClinVar previously as pathogenic. Based on ACMG criteria (PVS1, PM2, PP5) this variant classifies as pathogenic.

Collagen Diagnostic Laboratory, University of Washington
Classification: Pathogenic for Ehlers-Danlos syndrome, type 4. Review status: no assertion criteria provided. Collection method: clinical testing. Allele origin: germline. Affected: yes. Not counted in ClinVar's aggregate classification.

Literature cited by the submitters: PubMed 24922459 (cited by 5 submitters); PubMed 35092149 (cited by All of Us Research Program, National Institutes of Health and Color Diagnostics, LLC DBA Color Health); PubMed 35699227 (cited by 3 submitters); PubMed 33726816 (cited by Mayo Clinic Laboratories, Mayo Clinic).

NM_000090.4(COL3A1):c.3325C>T (p.Arg1109Ter)

Gene: COL3A1 (collagen type III alpha 1 chain; plus strand). Cytogenetic location: 2q32.2.
Variant type: single nucleotide variant.
Coding change: c.3325C>T on transcript NM_000090.4 (MANE Select); coding-DNA position 3325, C replaced by T.
Protein change: p.Arg1109Ter; replaces arginine 1109 with a stop codon.
Molecular consequence: nonsense.
Genome position (GRCh38, 1-based): chr2:189,007,569, C>T. VCF-style: chr2-189007569-C-T. GRCh37 (hg19) VCF-style: chr2-189872295-C-T.
Other names: NP_000081.1:p.Arg1109*; p.Arg1109*; short protein forms R1109*.
Identifiers: ClinVar variation 101427 (VCV000101427.44), dbSNP rs112371422, ClinGen allele CA006314.